The following is an entry in ClinVar:

ClinVar aggregate classification (germline): Conflicting classifications of pathogenicity. Review status: criteria provided, conflicting classifications (1 of 4 stars). 6 submissions from 6 submitters: Likely pathogenic (5); Uncertain significance (1). Last evaluated 2025-11-21.

Conditions:
TMEM237-related disorder. Also called: TMEM237-related condition.
Joubert syndrome 14 (JBTS14). Identifiers: MedGen C3280766, MONDO:0013745, OMIM 614424.

Allele frequency attached by ClinVar (database versions not stated): gnomAD exomes 0.00003; gnomAD 0.00004 and 0.00005; TOPMed 0.00005.
gnomAD v4.1: 148 of 1,547,016 alleles (0.0096%); highest among the groups gnomAD compares: Non-Finnish European, 0.012%; no homozygotes.

Submissions (6):

Labcorp Genetics (formerly Invitae), Labcorp
Classification: Likely pathogenic for Joubert syndrome 14. Last evaluated: 2025-11-21. Review status: criteria provided, single submitter. Criteria: Invitae Variant Classification Sherloc (09022015). Collection method: clinical testing. Allele origin: germline.
Comment: This sequence change affects a donor splice site in intron 1 of the TMEM237 gene. It is expected to disrupt RNA splicing. Variants that disrupt the donor or acceptor splice site typically lead to a loss of protein function (PMID: 16199547), and loss-of-function variants in TMEM237 are known to be pathogenic (PMID: 22152675). The frequency data for this variant in the population databases is considered unreliable, as metrics indicate poor data quality at this position in the gnomAD database. This variant has not been reported in the literature in individuals affected with TMEM237-related conditions. ClinVar contains an entry for this variant (Variation ID: 1033245). Algorithms developed to predict the effect of sequence changes on RNA splicing suggest that this variant may disrupt the consensus splice site. In summary, the currently available evidence indicates that the variant is pathogenic, but additional data are needed to prove that conclusively. Therefore, this variant has been classified as Likely Pathogenic.

GeneDx
Classification: Likely pathogenic. Last evaluated: 2025-05-14. Review status: criteria provided, single submitter. Criteria: GeneDx Variant Classification Process June 2021. Collection method: clinical testing. Allele origin: germline.
Comment: Canonical splice site variant expected to result in aberrant splicing, although in the absence of functional evidence the actual effect of this sequence change is unknown.; Not observed at significant frequency in large population cohorts (gnomAD); Has not been previously published as pathogenic or benign to our knowledge; This variant is associated with the following publications: (PMID: 31964843)

Blueprint Genetics
Classification: Likely pathogenic for TMEM237-related disorders. Last evaluated: 2024-07-25. Review status: criteria provided, single submitter. Criteria: ACMG Guidelines, 2015. Collection method: clinical testing. Allele origin: germline. Affected: yes. Observed: 5 variant alleles.

Fulgent Genetics
Classification: Likely pathogenic for Joubert syndrome 14. Last evaluated: 2024-05-24. Review status: criteria provided, single submitter. Criteria: ACMG Guidelines, 2015. Collection method: clinical testing. Allele origin: germline.

Revvity Omics, Revvity
Classification: Uncertain significance for Joubert syndrome 14. Last evaluated: 2020-08-13. Review status: criteria provided, single submitter. Criteria: ACMG Guidelines, 2015. Collection method: clinical testing. Allele origin: germline.

Baylor Genetics
Classification: Likely pathogenic for Joubert syndrome 14. Review status: criteria provided, single submitter. Criteria: ACMG Guidelines, 2015. Collection method: clinical testing. Allele origin: unknown.

Literature cited by the submitters: PubMed 16199547 (cited by Labcorp Genetics (formerly Invitae), Labcorp); PubMed 22152675 (cited by Labcorp Genetics (formerly Invitae), Labcorp).

NM_001044385.3(TMEM237):c.42+1G>A

Gene: TMEM237 (transmembrane protein 237; minus strand). Cytogenetic location: 2q33.1.
Variant type: single nucleotide variant.
Coding change: c.42+1G>A on transcript NM_001044385.3 (MANE Select); the canonical splice donor site of the intron after coding-DNA position 42, G replaced by A.
Molecular consequence: splice donor variant.
Genome position (GRCh38, 1-based): chr2:201,643,358, C>T on the plus strand (G>A on the coding strand, the complement: TMEM237 is on the minus strand). VCF-style: chr2-201643358-C-T. GRCh37 (hg19) VCF-style: chr2-202508081-C-T.
Identifiers: ClinVar variation 1033245 (VCV001033245.14), dbSNP rs1378726802, ClinGen allele CA350317698.